The following is an entry in ClinVar:

NM_002226.5(JAG2):c.789-6C>T

Gene: JAG2 (jagged canonical Notch ligand 2; minus strand). Cytogenetic location: 14q32.33.
Variant type: single nucleotide variant.
Coding change: c.789-6C>T on transcript NM_002226.5 (MANE Select); 6 bases into the intron before coding-DNA position 789, C replaced by T.
Molecular consequence: intron variant.
Genome position (GRCh38, 1-based): chr14:105,152,297, G>A on the plus strand (C>T on the coding strand, the complement: JAG2 is on the minus strand). VCF-style: chr14-105152297-G-A. GRCh37 (hg19) VCF-style: chr14-105618634-G-A.
Other names: c.789-6C>T (NM_145159.3).
Identifiers: ClinVar variation 4980151 (VCV004980151.1).

ClinVar aggregate classification (germline): Likely benign (1 of 4 stars; one submission).

Conditions:
JAG2-related disorder. Also called: JAG2-related condition.

gnomAD v4.1: 215 of 1,612,704 alleles (0.013%); highest among the groups gnomAD compares: African/African-American, 0.26%; no homozygotes.

Submission:

PreventionGenetics, part of Exact Sciences
Classification: Likely benign for JAG2-related condition. Last evaluated: 2026-06-24. Review status: criteria provided, single submitter. Criteria: ACMG Guidelines, 2015. Collection method: clinical testing. Allele origin: germline.
Comment: This variant is classified as likely benign based on ACMG/AMP sequence variant interpretation guidelines (Richards et al. 2015 PMID: 25741868, with internal and published modifications).